The following is an entry in ClinVar:

ClinVar aggregate classification (germline): Uncertain significance. Review status: criteria provided, multiple submitters, no conflicts (2 of 4 stars). 2 submissions from 2 submitters: Uncertain significance (2). Last evaluated 2025-10-21.

Allele frequency attached by ClinVar (database versions not stated): TOPMed 0.00001; gnomAD exomes 0.00019.

Submissions (2):

Labcorp Genetics (formerly Invitae), Labcorp
Classification: Uncertain significance. Last evaluated: 2025-10-21. Review status: criteria provided, single submitter. Criteria: Invitae Variant Classification Sherloc (09022015). Collection method: clinical testing. Allele origin: germline.
Comment: This sequence change replaces proline, which is neutral and non-polar, with serine, which is neutral and polar, at codon 106 of the NKX6-2 protein (p.Pro106Ser). The frequency data for this variant in the population databases is considered unreliable, as metrics indicate poor data quality at this position in the gnomAD database. This variant has not been reported in the literature in individuals affected with NKX6-2-related conditions. ClinVar contains an entry for this variant (Variation ID: 806584). Invitae Evidence Modeling of protein sequence and biophysical properties (such as structural, functional, and spatial information, amino acid conservation, physicochemical variation, residue mobility, and thermodynamic stability) indicates that this missense variant is not expected to disrupt NKX6-2 protein function with a negative predictive value of 80%. In summary, the available evidence is currently insufficient to determine the role of this variant in disease. Therefore, it has been classified as a Variant of Uncertain Significance.

CeGaT Center for Human Genetics Tuebingen
Classification: Uncertain significance. Last evaluated: 2019-05-01. Review status: criteria provided, single submitter. Criteria: CeGaT Center For Human Genetics Tuebingen Variant Classification Criteria Version 2. Collection method: clinical testing. Allele origin: germline. Affected: yes. Observed: 1 variant allele.

NM_177400.3(NKX6-2):c.316C>T (p.Pro106Ser)

Gene: NKX6-2 (NK6 homeobox 2; minus strand). Cytogenetic location: 10q26.3.
Variant type: single nucleotide variant.
Coding change: c.316C>T on transcript NM_177400.3 (MANE Select); coding-DNA position 316, C replaced by T.
Protein change: p.Pro106Ser; replaces proline 106 with serine.
Molecular consequence: missense variant.
Genome position (GRCh38, 1-based): chr10:132,785,633, G>A on the plus strand (C>T on the coding strand, the complement: NKX6-2 is on the minus strand). VCF-style: chr10-132785633-G-A. GRCh37 (hg19) VCF-style: chr10-134599137-G-A.
Other names: short protein forms P106S.
Identifiers: ClinVar variation 806584 (VCV000806584.43), dbSNP rs1369120871, ClinGen allele CA378771030.
Genomic context (GRCh38, chr10:132,785,633, plus strand): 5'-GCGCGCCCTGCACCACGCCGGGCCAGAAGATGGGCGGGCGCCCCGGCAGCTCGGCCAGGG[G>A]CTTGGGGTAGCCGCGCGCCACAGCGGCCGCGGGCCCGAAGTAAACGCCGGCGGACGACGC-3'
Protein context (NP_796374.2, residues 96-116): AAAVARGYPK[Pro106Ser]LAELPGRPPI